The following is an entry in ClinVar:

ClinVar aggregate classification (germline): Uncertain significance (1 of 4 stars; one submission).

Conditions:
Infantile-onset X-linked spinal muscular atrophy. Also called: Spinal Muscular Atrophy, X-Linked Infantile; SPINAL MUSCULAR ATROPHY, X-LINKED LETHAL INFANTILE; Spinal muscular atrophy, X-linked 2; AMC, DISTAL, X-LINKED; ARTHROGRYPOSIS, X-LINKED, TYPE I. Identifiers: Orphanet 1145, MedGen C1844934, MONDO:0010532, OMIM 301830.

Submission:

3billion
Classification: Uncertain significance for Infantile-onset X-linked spinal muscular atrophy. Last evaluated: 2026-01-02. Review status: criteria provided, single submitter. Criteria: ACMG Guidelines, 2015. Collection method: clinical testing. Allele origin: germline. Affected: yes.
Comment: The variant is not observed in the gnomAD v4.1.0 dataset. Predicted Consequence/Location: Missense variant. Missense changes are a common disease-causing mechanism. Damaging effect on gene or gene product predicted by in silico programs is uncertain [REVEL: 0.06 (damaging >=0.6, benign <0.4), 3Cnet: 0.20 (damaging >0.75, benign <0.1)]. Therefore, this variant is classified as VUS according to the recommendation of ACMG/AMP guideline.

NM_003334.4(UBA1):c.1665C>G (p.Asp555Glu)

Gene: UBA1 (ubiquitin like modifier activating enzyme 1; plus strand). Cytogenetic location: Xp11.3.
Variant type: single nucleotide variant.
Coding change: c.1665C>G on transcript NM_003334.4 (MANE Select); coding-DNA position 1665, C replaced by G.
Protein change: p.Asp555Glu; replaces aspartic acid 555 with glutamic acid.
Molecular consequence: missense variant.
Genome position (GRCh38, 1-based): chrX:47,206,037, C>G. VCF-style: chrX-47206037-C-G. GRCh37 (hg19) VCF-style: chrX-47065436-C-G.
Other names: c.1707C>G, p.Asp569Glu (NM_001440807.1); c.1683C>G, p.Asp561Glu (NM_001440809.1, NM_001440810.1); c.1665C>G, p.Asp555Glu (NM_001440811.1, NM_001440812.1, NM_153280.3); short protein forms D555E, D561E, D569E.
Identifiers: ClinVar variation 4854757 (VCV004854757.1).